The following is an entry in ClinVar:

NM_001430.5(EPAS1):c.1694G>A (p.Ser565Asn)

Gene: EPAS1 (endothelial PAS domain protein 1; plus strand). Cytogenetic location: 2p21.
Variant type: single nucleotide variant.
Coding change: c.1694G>A on transcript NM_001430.5 (MANE Select); coding-DNA position 1694, G replaced by A.
Protein change: p.Ser565Asn; replaces serine 565 with asparagine.
Molecular consequence: missense variant.
Genome position (GRCh38, 1-based): chr2:46,380,366, G>A. VCF-style: chr2-46380366-G-A. GRCh37 (hg19) VCF-style: chr2-46607505-G-A.
Other names: short protein forms S565N.
Identifiers: ClinVar variation 3275716 (VCV003275716.1).

ClinVar aggregate classification (germline): Uncertain significance (1 of 4 stars; one submission).

Conditions:
Inborn genetic diseases. Identifiers: MedGen C0950123, MeSH D030342.

gnomAD v4.1: 2 of 1,614,156 alleles (0.00012%); highest among the groups gnomAD compares: South Asian, 0.0022%; no homozygotes.

Submission:

Ambry Genetics
Classification: Uncertain significance for Inborn genetic diseases. Last evaluated: 2024-05-08. Review status: criteria provided, single submitter. Criteria: Ambry Variant Classification Scheme 2023. Collection method: clinical testing. Allele origin: germline.
Comment: The p.S565N variant (also known as c.1694G>A), located in coding exon 12 of the EPAS1 gene, results from a G to A substitution at nucleotide position 1694. The serine at codon 565 is replaced by asparagine, an amino acid with highly similar properties. This amino acid position is conserved. In addition, this alteration is predicted to be tolerated by in silico analysis. Based on the available evidence, the clinical significance of this variant remains unclear.